The following is an entry in ClinVar:

ClinVar aggregate classification (germline): Likely benign. Review status: criteria provided, multiple submitters, no conflicts (2 of 4 stars). 4 submissions from 4 submitters: Likely benign (4). Last evaluated 2026-09-21.

Conditions:
Cardiovascular phenotype. Identifiers: MedGen CN230736.
Atrial septal defect 5 (ASD5). Identifiers: Orphanet 1478, MedGen C2748552, MONDO:0013011, OMIM 612794.
Hypertrophic cardiomyopathy 11. Also called: ACTC1-Related Familial Hypertrophic Cardiomyopathy. Identifiers: MedGen C2677506, MONDO:0012799, OMIM 612098.
Dilated cardiomyopathy 1R (CMD1R). Identifiers: Orphanet 154, Orphanet 54260, MedGen C3150681, MONDO:0013261, OMIM 613424.

Allele frequency attached by ClinVar (database versions not stated): TOPMed below 0.00001; gnomAD exomes 0.00001.
gnomAD v4.1: 11 of 1,614,000 alleles (0.00068%); highest among the groups gnomAD compares: Non-Finnish European, 0.00093%; no homozygotes.

Submissions (4):

Molecular Diagnostic Laboratory for Inherited Cardiovascular Disease, Montreal Heart Institute
Classification: Likely benign. Last evaluated: 2026-09-21. Review status: criteria provided, single submitter. Criteria: ACMG Guidelines, 2015. Collection method: clinical testing. Allele origin: germline. Affected: no.
Comment: BP7

Labcorp Genetics (formerly Invitae), Labcorp
Classification: Likely benign for Dilated cardiomyopathy 1R; Hypertrophic cardiomyopathy 11; Atrial septal defect 5. Last evaluated: 2025-12-08. Review status: criteria provided, single submitter. Criteria: Invitae Variant Classification Sherloc (09022015). Collection method: clinical testing. Allele origin: germline.

Women's Health and Genetics/Laboratory Corporation of America, LabCorp
Classification: Likely benign. Last evaluated: 2023-04-10. Review status: criteria provided, single submitter. Criteria: LabCorp Variant Classification Summary - May 2015. Collection method: clinical testing. Allele origin: germline.

Ambry Genetics
Classification: Likely benign for Cardiovascular phenotype. Last evaluated: 2021-04-14. Review status: criteria provided, single submitter. Criteria: Ambry Variant Classification Scheme 2023. Collection method: clinical testing. Allele origin: germline.

NM_005159.5(ACTC1):c.915C>T (p.Thr305=)

Genes: ACTC1 (actin alpha cardiac muscle 1; minus strand), GJD2-DT (GJD2 divergent transcript; plus strand). Cytogenetic location: 15q14.
Variant type: single nucleotide variant.
Coding change: c.915C>T on transcript NM_005159.5 (MANE Select); coding-DNA position 915, C replaced by T.
Protein change: p.Thr305=; no amino-acid change (threonine 305 retained).
Molecular consequence: synonymous variant.
Genome position (GRCh38, 1-based): chr15:34,791,189, G>A on the plus strand (C>T on the coding strand, the complement: ACTC1 is on the minus strand). VCF-style: chr15-34791189-G-A. GRCh37 (hg19) VCF-style: chr15-35083390-G-A.
Identifiers: ClinVar variation 1589436 (VCV001589436.11), dbSNP rs1049511214, ClinGen allele CA268660946.